The following is an entry in ClinVar:

ClinVar aggregate classification (germline): Pathogenic (1 of 4 stars; one submission).

gnomAD v4.1: 1 of 1,614,154 alleles (0.000062%); highest among the groups gnomAD compares: Non-Finnish European, 0.000085%; no homozygotes.

Submission:

Labcorp Genetics (formerly Invitae), Labcorp
Classification: Pathogenic. Last evaluated: 2021-11-11. Review status: criteria provided, single submitter. Criteria: Invitae Variant Classification Sherloc (09022015). Collection method: clinical testing. Allele origin: germline.
Comment: This variant is not present in population databases (gnomAD no frequency). For these reasons, this variant has been classified as Pathogenic. Algorithms developed to predict the effect of sequence changes on RNA splicing suggest that this variant may create or strengthen a splice site. This variant has not been reported in the literature in individuals affected with SLC20A2-related conditions. This sequence change creates a premature translational stop signal (p.Ser408*) in the SLC20A2 gene. It is expected to result in an absent or disrupted protein product. Loss-of-function variants in SLC20A2 are known to be pathogenic (PMID: 23334463).

Literature cited by the submitters: PubMed 23334463.

NM_001257180.2(SLC20A2):c.1223C>A (p.Ser408Ter)

Gene: SLC20A2 (solute carrier family 20 member 2; minus strand). Cytogenetic location: 8p11.21.
Variant type: single nucleotide variant.
Coding change: c.1223C>A on transcript NM_001257180.2 (MANE Select); coding-DNA position 1223, C replaced by A.
Protein change: p.Ser408Ter; replaces serine 408 with a stop codon.
Molecular consequence: nonsense.
Genome position (GRCh38, 1-based): chr8:42,437,289, G>T on the plus strand (C>A on the coding strand, the complement: SLC20A2 is on the minus strand). VCF-style: chr8-42437289-G-T. GRCh37 (hg19) VCF-style: chr8-42294807-G-T.
Other names: c.1223C>A, p.Ser408Ter (NM_001257181.2, NM_006749.5); short protein forms S408*.
Identifiers: ClinVar variation 1447088 (VCV001447088.6), dbSNP rs747841902, ClinGen allele CA371097149.